The following is an entry in ClinVar:

ClinVar aggregate classification (germline): Uncertain significance (1 of 4 stars; one submission).

gnomAD v4.1: 1 of 1,595,972 alleles (0.000063%); highest among the groups gnomAD compares: Non-Finnish European, 0.000085%; no homozygotes.

Submission:

Labcorp Genetics (formerly Invitae), Labcorp
Classification: Uncertain significance. Last evaluated: 2021-08-11. Review status: criteria provided, single submitter. Criteria: Invitae Variant Classification Sherloc (09022015). Collection method: clinical testing. Allele origin: germline.
Comment: This sequence change falls in intron 14 of the CCT2 gene. It does not directly change the encoded amino acid sequence of the CCT2 protein. It affects a nucleotide within the consensus splice site of the intron. This variant is not present in population databases (ExAC no frequency). This variant has not been reported in the literature in individuals affected with CCT2-related conditions. Variants that disrupt the consensus splice site are a relatively common cause of aberrant splicing (PMID: 17576681, 9536098). Algorithms developed to predict the effect of sequence changes on RNA splicing suggest that this variant may disrupt the consensus splice site. In summary, the available evidence is currently insufficient to determine the role of this variant in disease. Therefore, it has been classified as a Variant of Uncertain Significance.

Literature cited by the submitters: PubMed 17576681; PubMed 9536098.

NM_006431.3(CCT2):c.1436-3C>A

Gene: CCT2 (chaperonin containing TCP1 subunit 2; plus strand). Cytogenetic location: 12q15.
Variant type: single nucleotide variant.
Coding change: c.1436-3C>A on transcript NM_006431.3 (MANE Select); 3 bases into the intron before coding-DNA position 1436, C replaced by A.
Molecular consequence: intron variant.
Genome position (GRCh38, 1-based): chr12:69,599,860, C>A. VCF-style: chr12-69599860-C-A. GRCh37 (hg19) VCF-style: chr12-69993640-C-A.
Other names: c.1295-3C>A (NM_001198842.2).
Identifiers: ClinVar variation 1374004 (VCV001374004.6), dbSNP rs1882099303, ClinGen allele CA2573148971.